The following continues an entry in ClinVar:

NM_003907.3(EIF2B5):c.338G>A (p.Arg113His)

Gene: EIF2B5. ClinVar aggregate classification (germline): Pathogenic. Pathogenic (27).

Submissions 13 to 28 of 28:

Women's Health and Genetics/Laboratory Corporation of America, LabCorp
Classification: Pathogenic for Vanishing white matter disease. Last evaluated: 2023-01-10. Review status: criteria provided, single submitter. Criteria: LabCorp Variant Classification Summary - May 2015. Collection method: clinical testing. Allele origin: germline.
Comment: Variant summary: EIF2B5 c.338G>A (p.Arg113His) results in a non-conservative amino acid change located in the Translation initiation factor eIF-2B subunit epsilon, N-terminal domain (IPR035543) of the encoded protein sequence. Three of five in-silico tools predict a damaging effect of the variant on protein function. The variant allele was found at a frequency of 0.00021 in 251478 control chromosomes. This frequency is not significantly higher than estimated for a pathogenic variant in EIF2B5 causing Leukoencephalopathy With Vanishing White Matter (0.00021 vs 0.00091), allowing no conclusion about variant significance. c.338G>A has been widely reported in the literature as biallelic homozygous or compound heterozygous genotypes in multiple individuals affected with Leukoencephalopathy With Vanishing White Matter (example, Slynko_2021). These data indicate that the variant is very likely to be associated with disease. At least one publication reports experimental evidence evaluating an impact on protein function reporting decreased tolerance to Endoplasmic Reticulum Stress (ERS) although the magnitude of the reported findings differed significantly from truncated or deletion mutants in EIF2B5 (Chen_2015). Multiple clinical diagnostic laboratories have submitted clinical-significance assessments for this variant to ClinVar after 2014 without evidence for independent evaluation. All laboratories classified the variant as pathogenic. Based on the evidence outlined above, the variant was classified as pathogenic.

Ambry Genetics
Classification: Pathogenic for Inborn genetic diseases. Last evaluated: 2022-04-11. Review status: criteria provided, single submitter. Criteria: Ambry Variant Classification Scheme 2023. Collection method: clinical testing. Allele origin: germline.
Comment: The c.338G>A (p.R113H) alteration is located in exon 3 (coding exon 3) of the EIF2B5 gene. This alteration results from a G to A substitution at nucleotide position 338, causing the arginine (R) at amino acid position 113 to be replaced by a histidine (H). This alteration has been detected in the homozygous and compound heterozygous state in multiple individuals diagnosed with leukoencephalopathy with vanishing white matter (VWM disease) (Leegwater, 2001; Fogli, 2004; Turon-Vinas, 2014). This alteration has also been found to segregate among affected homozygotes in multiple families (Labauge, 2009). This amino acid position is not well conserved in available vertebrate species, and histidine is the reference amino acid in other vertebrate species. Functional studies show that this alteration leads to reduced GEF activity (Liu, 2011; Li, 2004; Chen, 2015). The in silico prediction for this alteration is inconclusive. Based on the available evidence, this alteration is classified as pathogenic.

MGZ Medical Genetics Center
Classification: Pathogenic for Leukoencephalopathy with vanishing white matter 1. Last evaluated: 2022-04-06. Review status: criteria provided, single submitter. Criteria: ACMG Guidelines, 2015. Collection method: clinical testing. Allele origin: germline. Affected: yes. Observed: 1 variant allele.
Comment: ACMG criteria applied: PM3_STR, PS3_MOD, PS4_MOD, PM5, PM2_SUP, PP3

GeneDx
Classification: Pathogenic. Last evaluated: 2022-03-08. Review status: criteria provided, single submitter. Criteria: GeneDx Variant Classification Process June 2021. Collection method: clinical testing. Allele origin: germline. Affected: yes.
Comment: Published functional studies demonstrate a damaging effect with reduction of activity compared to wild-type (Li et al., 2004) and some intolerance to stress of endoplasmic reticulum in oligodendrocytes (Chen et al., 2015); In silico analysis supports that this missense variant does not alter protein structure/function; This variant is associated with the following publications: (PMID: 15776425, 26162493, 31046592, 25525159, 24482476, 11704758, 24938145, 15054402, 15136689, 12707859, 15136673, 15060152, 21560189, 26112719, 28334938, 28914269, 18845387, 18266750, 18678442, 18005052, 30665247, 22699478, 31438897, 31980526, 31589614)

Dasa
Classification: Pathogenic for Vanishing white matter disease. Last evaluated: 2022-01-05. Review status: criteria provided, single submitter. Criteria: ACMG Guidelines, 2015. Collection method: clinical testing. Allele origin: germline. Affected: yes. Observed: 3 variant alleles.
Comment: The c.338G>A;p.(Arg113His) missense variant has been observed in affected individual(s) and ClinVar contains an entry for this variant (ClinVar ID: 5945; PMID: 11704758; 18678442; 15136689; 24938145; 18845387; 21560189; 18005052; 18266750; 21307862) - PS4. Well-established in vitro or in vivo functional studies support a damaging effect on the gene or gene product (PMID: 26112719) - PS3_supporting. The variant is present at low allele frequencies population databases (rs113994049– gnomAD 0.002695%; ABraOM 0.002135 frequency) - PM2_supporting. The p.(Arg113His) was detected in trans with a pathogenic variant PM3_suporte (PMID: 11704758; 18678442; 15136689; 24938145; 18845387; 21560189; 18005052; 18266750; 21307862 ) - PM3_supporting. Pathogenic missense variant in this residue have been reported (ClinVar ID: 692118) - PM5. In summary, the currently available evidence indicates that the variant is pathogenic.

Revvity Omics, Revvity
Classification: Pathogenic for Leukoencephalopathy with vanishing white matter 5. Last evaluated: 2021-12-08. Review status: criteria provided, single submitter. Criteria: ACMG Guidelines, 2015. Collection method: clinical testing. Allele origin: germline.

Genome-Nilou Lab
Classification: Pathogenic for Leukoencephalopathy with vanishing white matter 1. Last evaluated: 2021-07-22. Review status: criteria provided, single submitter. Criteria: ACMG Guidelines, 2015. Collection method: clinical testing. Allele origin: germline. Affected: no.

Genetics Laboratory, UDIAT-Centre Diagnòstic, Hospital Universitari Parc Tauli
Classification: Pathogenic. Last evaluated: 2021-04-26. Review status: criteria provided, single submitter. Criteria: Parc Tauli Hospital Assertion Criteria 2021. Collection method: clinical testing. Allele origin: maternal. Inheritance: Autosomal recessive inheritance. Affected: yes. Observed: 1 compound heterozygote.
Comment: PP5_very strong;PM2_supporting;PM5_moderate;PP2_supporting;PP3_supporting

Genetics and Molecular Pathology, SA Pathology
Classification: Pathogenic for Leukoencephalopathy with vanishing white matter 1. Last evaluated: 2020-11-19. Review status: criteria provided, single submitter. Criteria: ACMG Guidelines, 2015. Collection method: clinical testing. Allele origin: germline. Affected: yes.

Institute of Medical Genetics and Applied Genomics, University Hospital Tübingen
Classification: Pathogenic. Last evaluated: 2020-10-23. Review status: criteria provided, single submitter. Criteria: ACMG Guidelines, 2015. Collection method: clinical testing. Allele origin: germline. Inheritance: Unknown mechanism. Affected: yes.

Laboratorio de Genetica e Diagnostico Molecular, Hospital Israelita Albert Einstein
Classification: Pathogenic. Last evaluated: 2020-02-27. Review status: criteria provided, single submitter. Criteria: ACMG Guidelines, 2015. Collection method: clinical testing. Allele origin: germline. Affected: yes.
Comment: ACMG classification criteria: PS3, PS4, PM3

Mendelics
Classification: Pathogenic for Leukoencephalopathy with vanishing white matter 1. Last evaluated: 2019-05-28. Review status: criteria provided, single submitter. Criteria: Mendelics Assertion Criteria 2017. Collection method: clinical testing. Allele origin: unknown.

Athena Diagnostics
Classification: Pathogenic. Last evaluated: 2017-10-26. Review status: criteria provided, single submitter. Criteria: Athena Diagnostics Criteria. Collection method: clinical testing. Allele origin: germline.

Center for Pediatric Genomic Medicine, Children's Mercy Hospital and Clinics
Classification: Pathogenic. Last evaluated: 2016-12-15. Review status: criteria provided, single submitter. Criteria: ACMG Guidelines, 2015. Collection method: clinical testing. Allele origin: germline.

Eurofins Ntd Llc (ga)
Classification: Pathogenic. Last evaluated: 2015-05-29. Review status: criteria provided, single submitter. Criteria: EGL Classification Definitions 2015. Collection method: clinical testing. Allele origin: germline. Observed: 5 variant alleles, 3 heterozygotes, 2 homozygotes.

OMIM
Classification: Pathogenic for LEUKOENCEPHALOPATHY WITH VANISHING WHITE MATTER 5. Last evaluated: 2004-05-11. Review status: no assertion criteria provided. Collection method: literature only. Allele origin: germline. Not counted in ClinVar's aggregate classification.

Literature cited by the submitters: PubMed 11704758 (cited by 8 submitters); PubMed 15136689 (cited by 4 submitters); PubMed 18005052 (cited by 3 submitters); PubMed 18266750 (cited by 3 submitters); PubMed 18678442 (cited by 3 submitters); PubMed 18845387 (cited by Labcorp Genetics (formerly Invitae), Labcorp and Dasa); PubMed 21307862 (cited by Labcorp Genetics (formerly Invitae), Labcorp and Dasa); PubMed 21560189 (cited by 4 submitters); PubMed 22699478 (cited by 3 submitters); PubMed 24938145 (cited by 5 submitters); PubMed 26112719 (cited by 6 submitters); PubMed 37171481 (cited by Natera, Inc. and Mayo Clinic Laboratories, Mayo Clinic); PubMed 15060152 (cited by 4 submitters); PubMed 15136673 (cited by 3 submitters); PubMed 37152446 (cited by Mayo Clinic Laboratories, Mayo Clinic); PubMed 37273681 (cited by Mayo Clinic Laboratories, Mayo Clinic); PubMed 38886214 (cited by Mayo Clinic Laboratories, Mayo Clinic); PubMed 22737209 (cited by Illumina Laboratory Services, Illumina); PubMed 22952606 (cited by Illumina Laboratory Services, Illumina); PubMed 20975056 (cited by Illumina Laboratory Services, Illumina and Athena Diagnostics); PubMed 28914269 (cited by Duke University Health System Sequencing Clinic, Duke University Health System); PubMed 33432707 (cited by Women's Health and Genetics/Laboratory Corporation of America, LabCorp); PubMed 19625339 (cited by Ambry Genetics and Athena Diagnostics); PubMed 25089094 (cited by Ambry Genetics and Athena Diagnostics); PubMed 25681447 (cited by Dasa); PubMed 26626314 (cited by Dasa); PubMed 23065789 (cited by Dasa); PubMed 26506339 (cited by Dasa); PubMed 20958979 (cited by Athena Diagnostics); PubMed 17439913 (cited by Athena Diagnostics); PubMed 16041584 (cited by Athena Diagnostics); PubMed 18294360 (cited by Athena Diagnostics); PubMed 19531691 (cited by Athena Diagnostics); PubMed 25761052 (cited by Athena Diagnostics); PubMed 18813718 (cited by Athena Diagnostics); PubMed 15507143 (cited by Athena Diagnostics); PubMed 22238342 (cited by Athena Diagnostics); PubMed 24482476 (cited by Athena Diagnostics); PubMed 25525159 (cited by Athena Diagnostics); PubMed 15776425 (cited by Athena Diagnostics); PubMed 12707859 (cited by Athena Diagnostics and OMIM); PubMed 15054402 (cited by Athena Diagnostics and Eurofins Ntd Llc (ga)); PubMed 14694060 (cited by OMIM).